The following is an entry in ClinVar:

NM_001161352.2(KCNMA1):c.2881G>A (p.Val961Ile)

Genes: KCNMA1-AS1 (KCNMA1 antisense RNA 1; plus strand), KCNMA1 (potassium calcium-activated channel subfamily M alpha 1; minus strand). Cytogenetic location: 10q22.3.
Variant type: single nucleotide variant.
Coding change: c.2881G>A on transcript NM_001161352.2 (MANE Select); coding-DNA position 2881, G replaced by A.
Protein change: p.Val961Ile; replaces valine 961 with isoleucine.
Molecular consequence: missense variant.
Genome position (GRCh38, 1-based): chr10:76,944,794, C>T on the plus strand (G>A on the coding strand, the complement: KCNMA1 is on the minus strand). VCF-style: chr10-76944794-C-T. GRCh37 (hg19) VCF-style: chr10-78704552-C-T.
Other names: c.2719G>A, p.Val907Ile (NM_001014797.3, NM_001322835.2, NM_001322837.2); c.2830G>A, p.Val944Ile (NM_001161353.2); c.2557G>A, p.Val853Ile (NM_001271518.2); c.2716G>A, p.Val906Ile (NM_001271519.2, NM_001322829.2, NM_001322836.2); c.2728G>A, p.Val910Ile (NM_001322830.2); c.2707G>A, p.Val903Ile (NM_001322832.2, NM_001410940.1, NM_002247.4); c.2254G>A, p.Val752Ile (NM_001322838.2); short protein forms V752I, V853I, V903I, V906I, V907I, V910I, V944I, V961I.
Identifiers: ClinVar variation 1720251 (VCV001720251.6), dbSNP rs2549936008, ClinGen allele CA377405178.

ClinVar aggregate classification (germline): Uncertain significance (1 of 4 stars; one submission).

Conditions:
Generalized epilepsy-paroxysmal dyskinesia syndrome (PNKD3). Also called: Generalized epilepsy and paroxysmal dyskinesia; Paroxysmal nonkinesigenic dyskinesia, 3, with or without generalized epilepsy. Identifiers: Orphanet 79137, MedGen C5574945, MONDO:0012276, OMIM 609446.

Allele frequency attached by ClinVar (database versions not stated): gnomAD exomes below 0.00001.
gnomAD v4.1: 1 of 1,614,162 alleles (0.000062%); highest among the groups gnomAD compares: Non-Finnish European, 0.000085%; no homozygotes.

Submission:

Labcorp Genetics (formerly Invitae), Labcorp
Classification: Uncertain significance for Generalized epilepsy-paroxysmal dyskinesia syndrome. Last evaluated: 2022-09-23. Review status: criteria provided, single submitter. Criteria: Invitae Variant Classification Sherloc (09022015). Collection method: clinical testing. Allele origin: germline.
Comment: This sequence change replaces valine, which is neutral and non-polar, with isoleucine, which is neutral and non-polar, at codon 903 of the KCNMA1 protein (p.Val903Ile). In summary, the available evidence is currently insufficient to determine the role of this variant in disease. Therefore, it has been classified as a Variant of Uncertain Significance. Algorithms developed to predict the effect of missense changes on protein structure and function (SIFT, PolyPhen-2, Align-GVGD) all suggest that this variant is likely to be tolerated. This variant has not been reported in the literature in individuals affected with KCNMA1-related conditions. This variant is not present in population databases (gnomAD no frequency).